The following is an entry in ClinVar:

NM_000129.4(F13A1):c.691-1G>A

Gene: F13A1 (coagulation factor XIII A chain; minus strand). Cytogenetic location: 6p25.1.
Variant type: single nucleotide variant.
Coding change: c.691-1G>A on transcript NM_000129.4 (MANE Select); the canonical splice acceptor site of the intron before coding-DNA position 691, G replaced by A.
Molecular consequence: splice acceptor variant.
Genome position (GRCh38, 1-based): chr6:6,248,420, C>T on the plus strand (G>A on the coding strand, the complement: F13A1 is on the minus strand). VCF-style: chr6-6248420-C-T. GRCh37 (hg19) VCF-style: chr6-6248653-C-T.
Other names: F13A1, IVS5AS, G-A, -1; p.?; NC_000006.11:g.6248653C>T; IVS5AS, G-A, -1.
Identifiers: ClinVar variation 16537 (VCV000016537.11), dbSNP rs372296352, ClinGen allele CA3624570.

ClinVar aggregate classification (germline): Pathogenic/Likely pathogenic. Review status: criteria provided, multiple submitters, no conflicts (2 of 4 stars). 7 submissions from 7 submitters: Pathogenic (4); Likely pathogenic (1). 2 of the submissions do not count toward it. Last evaluated 2025-05-23.

Conditions:
F13A1-related disorder. Also called: F13A1-related condition.
F13A1-related disorders.
Factor XIII, A subunit, deficiency of. Also called: Factor XIII subunit A deficiency. Identifiers: Orphanet 331, MedGen C2750514, MONDO:0013187, OMIM 613225, HP:0040233.

Allele frequency attached by ClinVar (database versions not stated): gnomAD exomes 0.00004; gnomAD 0.00005; TOPMed 0.00005; ExAC 0.00008; ESP Exome Variant Server 0.00008.
gnomAD v4.1: 126 of 1,611,306 alleles (0.0078%); highest among the groups gnomAD compares: Non-Finnish European, 0.01%; no homozygotes.

Submissions (8):

GeneDx
Classification: Pathogenic. Last evaluated: 2025-05-23. Review status: criteria provided, single submitter. Criteria: GeneDx Variant Classification Process June 2021. Collection method: clinical testing. Allele origin: germline. Affected: yes.
Comment: Published functional studies demonstrate a damaging effect of undetectable FXIII subunit A mRNA levels by Northern blot analysis; sequencing of cDNA showed use of an alternate splice acceptor site leading to a frameshift with premature stop codon (PMID: 8584988); In silico analysis supports a deleterious effect on splicing; This variant is associated with the following publications: (PMID: 9657440, 25525159, 17549292, 17880458, 28520207, 19438481, 8584988, 37647632)

Blueprint Genetics
Classification: Pathogenic for F13A1-related disorders. Last evaluated: 2024-08-28. Review status: criteria provided, single submitter. Criteria: ACMG Guidelines, 2015. Collection method: clinical testing. Allele origin: germline. Affected: yes. Observed: 5 variant alleles.

Department of Pathology and Laboratory Medicine, Sinai Health System
Classification: Likely pathogenic for Factor XIII, A subunit, deficiency of. Last evaluated: 2023-02-06. Review status: criteria provided, single submitter. Criteria: ACMG Guidelines, 2015. Collection method: research. Allele origin: germline.

Women's Health and Genetics/Laboratory Corporation of America, LabCorp
Classification: Pathogenic for Factor XIII, A subunit, deficiency of. Last evaluated: 2021-12-30. Review status: criteria provided, single submitter. Criteria: LabCorp Variant Classification Summary - May 2015. Collection method: clinical testing. Allele origin: germline.
Comment: Variant summary: F13A1 c.691-1G>A is located in a canonical splice-site and is predicted to affect mRNA splicing resulting in a significantly altered protein due to either exon skipping, shortening, or inclusion of intronic material. Several computational tools predict a significant impact on normal splicing: Four predict the variant abolishes a 3 acceptor site, with two of them also predicting it creates a cryptic exonic 3 acceptor site. Experimental evidence support these predictions indicating that this variant affects mRNA splicing, giving rise to two abnormal transcripts (Anwar_1998). The variant allele was found at a frequency of 4.4e-05 in 250184 control chromosomes (gnomAD). c.691-1G>A has been reported in the literature in multiple individuals affected with Factor XIIIA Deficiency and was shown to co-segregate with disease in at least one family (e.g. Anwar_1998, Schroeder_2006, Ivaskevicius_2007). These data indicate that the variant is very likely to be associated with disease. No clinical diagnostic laboratories have submitted clinical-significance assessments for this variant to ClinVar after 2014. Based on the evidence outlined above, the variant was classified as pathogenic.

Mayo Clinic Laboratories, Mayo Clinic
Classification: Pathogenic. Last evaluated: 2021-06-30. Review status: criteria provided, single submitter. Criteria: ACMG Guidelines, 2015. Collection method: clinical testing. Allele origin: germline.
Comment: PM2, PS3, PVS1_Strong

PreventionGenetics, part of Exact Sciences
Classification: Pathogenic for F13A1-related condition. Last evaluated: 2024-06-25. Review status: no assertion criteria provided. Collection method: clinical testing. Allele origin: germline. Not counted in ClinVar's aggregate classification.
Comment: The F13A1 c.691-1G>A variant is predicted to disrupt the AG splice acceptor site and interfere with normal splicing. This variant is predicted to abolish the consensus exon 6 splice acceptor site and has been reported in patients with autosomal recessive Factor XIII deficiency (see Vreken et al., 1995. PubMed ID: 8584988). This variant results in use of an alternative splice acceptor site leading to a frameshift and a premature stop codon causing reduced F13A1 mRNA levels (see Vreken et al., 1995. PubMed ID: 8584988). Other variants affecting proper mRNA splicing have been reported throughout the F13A1 gene in several patients with Factor XIII deficiency. This variant is reported in 0.0097% of alleles in individuals of European (Non-Finnish) descent in gnomAD. Therefore, we consider the c.691-1G>A variant to be pathogenic for autosomal recessive Factor XIII deficiency.

OMIM
Classification: Pathogenic for FACTOR XIII, A SUBUNIT, DEFICIENCY OF. Last evaluated: 2009-06-01. Review status: no assertion criteria provided. Collection method: literature only. Allele origin: germline. Not counted in ClinVar's aggregate classification.

Dr. Peter K. Rogan Lab, Western University
No classification provided (evidence only). Condition: Nonpapillary renal cell carcinoma. Review status: no classification provided. Collection method: in vitro. Allele origin: not applicable. Functional consequence: retained intron. Not counted in ClinVar's aggregate classification.

Literature cited by the submitters: PubMed 9827915 (cited by Women's Health and Genetics/Laboratory Corporation of America, LabCorp); PubMed 17880458 (cited by Women's Health and Genetics/Laboratory Corporation of America, LabCorp); PubMed 16543965 (cited by Women's Health and Genetics/Laboratory Corporation of America, LabCorp); PubMed 8584988 (cited by Mayo Clinic Laboratories, Mayo Clinic); PubMed 21812861 (cited by Mayo Clinic Laboratories, Mayo Clinic); PubMed 9657440 (cited by Mayo Clinic Laboratories, Mayo Clinic); PubMed 28520207 (cited by Mayo Clinic Laboratories, Mayo Clinic); PubMed 17549292 (cited by Mayo Clinic Laboratories, Mayo Clinic); PubMed 19438481 (cited by OMIM).